The following is an entry in ClinVar:

NM_004725.4(BUB3):c.740A>G (p.Asn247Ser)

Gene: BUB3 (BUB3 mitotic checkpoint protein; plus strand). Cytogenetic location: 10q26.13.
Variant type: single nucleotide variant.
Coding change: c.740A>G on transcript NM_004725.4 (MANE Select); coding-DNA position 740, A replaced by G.
Protein change: p.Asn247Ser; replaces asparagine 247 with serine.
Molecular consequence: missense variant.
Genome position (GRCh38, 1-based): chr10:123,162,399, A>G. VCF-style: chr10-123162399-A-G. GRCh37 (hg19) VCF-style: chr10-124921915-A-G.
Other names: c.740A>G, p.Asn247Ser (NM_001007793.3); short protein forms N247S.
Identifiers: ClinVar variation 2448142 (VCV002448142.2), dbSNP rs2133570300, ClinGen allele CA378626798.
Genomic context (GRCh38, chr10:123,162,399, plus strand): 5'-AAGAAAATAATATTGAGCAGATTTACCCAGTCAATGCCATTTCTTTTCACAATATCCACA[A>G]TACATTTGCCACAGGTAAAGTATGGCATGCTGACCTATATTTAATTATTATACTATTTGG-3'
Protein context (NP_004716.1, residues 237-257): VNAISFHNIH[Asn247Ser]TFATGGSDGF

ClinVar aggregate classification (germline): Uncertain significance (1 of 4 stars; one submission).

Submission:

Ambry Genetics
Classification: Uncertain significance. Last evaluated: 2023-01-23. Review status: criteria provided, single submitter. Criteria: Ambry Variant Classification Scheme 2023. Collection method: clinical testing. Allele origin: germline.
Comment: The p.N247S variant (also known as c.740A>G), located in coding exon 5 of the BUB3 gene, results from an A to G substitution at nucleotide position 740. The asparagine at codon 247 is replaced by serine, an amino acid with highly similar properties. This amino acid position is conserved. In addition, this alteration is predicted to be tolerated by in silico analysis. Since supporting evidence is limited at this time, the clinical significance of this alteration remains unclear.